The following is an entry in ClinVar:

NM_021975.4(RELA):c.430C>A (p.Pro144Thr)

Gene: RELA (RELA proto-oncogene, NF-kB subunit; minus strand). Cytogenetic location: 11q13.1.
Variant type: single nucleotide variant.
Coding change: c.430C>A on transcript NM_021975.4 (MANE Select); coding-DNA position 430, C replaced by A.
Protein change: p.Pro144Thr; replaces proline 144 with threonine.
Molecular consequence: missense variant. On other transcripts: intron variant (1).
Genome position (GRCh38, 1-based): chr11:65,659,795, G>T on the plus strand (C>A on the coding strand, the complement: RELA is on the minus strand). VCF-style: chr11-65659795-G-T. GRCh37 (hg19) VCF-style: chr11-65427266-G-T.
Other names: c.430C>A, p.Pro144Thr (NM_001404660.1, NM_001243984.2, NM_001243985.2 and 1 more transcripts); c.49C>A, p.Pro17Thr (NM_001404661.1); c.337C>A, p.Pro113Thr (NM_001404662.1, NM_001404663.1); c.428-7C>A (NM_001145138.2); c.463C>A, p.Pro155Thr (NM_001404657.1); c.403C>A, p.Pro135Thr (NM_001404658.1); short protein forms P113T, P135T, P144T, P155T, P17T.
Identifiers: ClinVar variation 3390010 (VCV003390010.14).

ClinVar aggregate classification (germline): Uncertain significance (1 of 4 stars; one submission).

Submission:

CeGaT Center for Human Genetics Tuebingen
Classification: Uncertain significance. Last evaluated: 2024-10-01. Review status: criteria provided, single submitter. Criteria: CeGaT Center For Human Genetics Tuebingen Variant Classification Criteria Version 2. Collection method: clinical testing. Allele origin: germline. Affected: yes. Observed: 1 variant allele.
Comment: RELA: PM2, PP2